The following is an entry in ClinVar:

NM_032217.5(ANKRD17):c.5925A>G (p.Ser1975=)

Gene: ANKRD17 (ankyrin repeat domain 17; minus strand). Cytogenetic location: 4q13.3.
Variant type: single nucleotide variant.
Coding change: c.5925A>G on transcript NM_032217.5 (MANE Select); coding-DNA position 5925, A replaced by G.
Protein change: p.Ser1975=; no amino-acid change (serine 1975 retained).
Molecular consequence: synonymous variant.
Genome position (GRCh38, 1-based): chr4:73,091,703, T>C on the plus strand (A>G on the coding strand, the complement: ANKRD17 is on the minus strand). VCF-style: chr4-73091703-T-C. GRCh37 (hg19) VCF-style: chr4-73957420-T-C.
Other names: c.5586A>G, p.Ser1862= (NM_001286771.3); c.5922A>G, p.Ser1974= (NM_015574.2); c.5172A>G, p.Ser1724= (NM_198889.3).
Identifiers: ClinVar variation 4534084 (VCV004534084.6).

ClinVar aggregate classification (germline): Benign (1 of 4 stars; one submission).

gnomAD v4.1: 314 of 1,614,184 alleles (0.019%); highest among the groups gnomAD compares: African/African-American, 0.35%; 1 homozygote.

Submission:

CeGaT Center for Human Genetics Tuebingen
Classification: Benign. Last evaluated: 2025-09-01. Review status: criteria provided, single submitter. Criteria: CeGaT Center For Human Genetics Tuebingen Variant Classification Criteria Version 2. Collection method: clinical testing. Allele origin: germline. Affected: yes. Observed: 1 variant allele.
Comment: ANKRD17: BP4, BS1, BS2